The following is an entry in ClinVar:

ClinVar aggregate classification (germline): Uncertain significance (1 of 4 stars; one submission).

Conditions:
Inborn genetic diseases. Identifiers: MedGen C0950123, MeSH D030342.

Submission:

Ambry Genetics
Classification: Uncertain significance for Inborn genetic diseases. Last evaluated: 2023-10-27. Review status: criteria provided, single submitter. Criteria: Ambry Variant Classification Scheme 2023. Collection method: clinical testing. Allele origin: germline.
Comment: The c.959A>G (p.N320S) alteration is located in exon 6 (coding exon 6) of the POLR2A gene. This alteration results from an A to G substitution at nucleotide position 959, causing the asparagine (N) at amino acid position 320 to be replaced by a serine (S). This variant was not reported in population-based cohorts in the Genome Aggregation Database (gnomAD). This amino acid position is highly conserved in available vertebrate species. This alteration is predicted to be tolerated by in silico analysis. In silico splice site analysis predicts that this alteration may result in the creation or strengthening of a novel splice donor site. Based on insufficient or conflicting evidence, the clinical significance of this alteration remains unclear.

NM_000937.5(POLR2A):c.959A>G (p.Asn320Ser)

Gene: POLR2A (RNA polymerase II subunit A; plus strand). Cytogenetic location: 17p13.1.
Variant type: single nucleotide variant.
Coding change: c.959A>G on transcript NM_000937.5 (MANE Select); coding-DNA position 959, A replaced by G.
Protein change: p.Asn320Ser; replaces asparagine 320 with serine.
Molecular consequence: missense variant.
Genome position (GRCh38, 1-based): chr17:7,497,495, A>G. VCF-style: chr17-7497495-A-G. GRCh37 (hg19) VCF-style: chr17-7400814-A-G.
Other names: short protein forms N320S.
Identifiers: ClinVar variation 3216513 (VCV003216513.1), dbSNP rs2150880304, ClinGen allele CA397866877.
Genomic context (GRCh38, chr17:7,497,495, plus strand): 5'-CCCATGTCATTGCAGAGGATGTGAAGCTCCTCCAGTTCCATGTGGCCACCATGGTGGACA[A>G]TGAGCTGCCTGGCTTGCCCCGTGTGAGTCAGCATGCTCCCCACCCCTCTGTGTATTGGAG-3'
Protein context (NP_000928.1, residues 310-330): LQFHVATMVD[Asn320Ser]ELPGLPRAMQ